The following is an entry in ClinVar:

ClinVar aggregate classification (germline): Conflicting classifications of pathogenicity. Review status: criteria provided, conflicting classifications (1 of 4 stars). 4 submissions from 3 submitters: Uncertain significance (3); Benign (1). Last evaluated 2024-01-07.

Conditions:
Adams-Oliver syndrome 5 (AOS5). Identifiers: Orphanet 974, MedGen C4014970, MONDO:0014459, OMIM 616028.
Aortic valve disease 1 (AOVD1). Identifiers: MedGen C3887892, MONDO:0024523, OMIM 109730.

Allele frequency attached by ClinVar (database versions not stated): gnomAD 0.00001; gnomAD exomes 0.00001 and 0.00002; TOPMed 0.00002; ExAC 0.00003; 1000 Genomes Project 30x 0.00031.

Submissions (4):

Labcorp Genetics (formerly Invitae), Labcorp
Classification: Benign for Adams-Oliver syndrome 5. Last evaluated: 2024-01-07. Review status: criteria provided, single submitter. Criteria: Invitae Variant Classification Sherloc (09022015). Collection method: clinical testing. Allele origin: germline.

Genome-Nilou Lab
Classification: Uncertain significance for Adams-Oliver syndrome 5. Last evaluated: 2022-03-15. Review status: criteria provided, single submitter. Criteria: ACMG Guidelines, 2015. Collection method: clinical testing. Allele origin: germline. Affected: no.

Genome-Nilou Lab
Classification: Uncertain significance for Aortic valve disease 1. Last evaluated: 2022-03-15. Review status: criteria provided, single submitter. Criteria: ACMG Guidelines, 2015. Collection method: clinical testing. Allele origin: germline. Affected: no.

GeneDx
Classification: Uncertain significance. Last evaluated: 2020-01-27. Review status: criteria provided, single submitter. Criteria: GeneDx Variant Classification Process June 2021. Collection method: clinical testing. Allele origin: germline. Affected: yes.
Comment: Has not been previously published as pathogenic or benign to our knowledge; Not observed at a significant frequency in large population cohorts (Lek et al., 2016); In silico analysis, which includes protein predictors and evolutionary conservation, supports a deleterious effect

NM_017617.5(NOTCH1):c.1000G>A (p.Glu334Lys)

Gene: NOTCH1 (notch receptor 1; minus strand). Cytogenetic location: 9q34.3.
Variant type: single nucleotide variant.
Coding change: c.1000G>A on transcript NM_017617.5 (MANE Select); coding-DNA position 1000, G replaced by A.
Protein change: p.Glu334Lys; replaces glutamic acid 334 with lysine.
Molecular consequence: missense variant.
Genome position (GRCh38, 1-based): chr9:136,518,690, C>T on the plus strand (G>A on the coding strand, the complement: NOTCH1 is on the minus strand). VCF-style: chr9-136518690-C-T. GRCh37 (hg19) VCF-style: chr9-139413142-C-T.
Other names: short protein forms E334K.
Identifiers: ClinVar variation 1315140 (VCV001315140.8), dbSNP rs779061035, ClinGen allele CA5341962.
Genomic context (GRCh38, chr9:136,518,690, plus strand): 5'-CACGGTCATGGCAGGTGGCGCCGTGGAAGCAGGCGGCGCTGGCACAGTCATCAATGTTCT[C>T]GCTGCAGTCCTCACCAGTCCAGCCGTTGACACACACGCAGTTGTAGCCACCGTGGGTGTT-3'
Protein context (NP_060087.3, residues 324-344): VNGWTGEDCS[Glu334Lys]NIDDCASAAC